The following is an entry in ClinVar:

NM_002234.4(KCNA5):c.911T>C (p.Met304Thr)

Gene: KCNA5 (potassium voltage-gated channel subfamily A member 5; plus strand). Cytogenetic location: 12p13.32.
Variant type: single nucleotide variant.
Coding change: c.911T>C on transcript NM_002234.4 (MANE Select); coding-DNA position 911, T replaced by C.
Protein change: p.Met304Thr; replaces methionine 304 with threonine.
Molecular consequence: missense variant.
Genome position (GRCh38, 1-based): chr12:5,045,058, T>C. VCF-style: chr12-5045058-T-C. GRCh37 (hg19) VCF-style: chr12-5154224-T-C.
Other names: short protein forms M304T.
Identifiers: ClinVar variation 469602 (VCV000469602.10), dbSNP rs745760298, ClinGen allele CA6399756.
Genomic context (GRCh38, chr12:5,045,058, plus strand): 5'-ACCCTCCGGCGCCCCACCAGCCTCCCGCGCCCGCCCCTGGGGCCAACGGCAGCGGGGTCA[T>C]GGCCCCGCCCTCTGGCCCTACGGTGGCACCGCTCCTGCCCAGGACCCTGGCCGACCCCTT-3'
Protein context (NP_002225.2, residues 294-314): PAPGANGSGV[Met304Thr]APPSGPTVAP

ClinVar aggregate classification (germline): Uncertain significance (1 of 4 stars; one submission).

Conditions:
Atrial fibrillation, familial, 7 (ATFB7). Identifiers: MedGen C2677106, MONDO:0012828, OMIM 612240.

Allele frequency attached by ClinVar (database versions not stated): ExAC 0.00001; gnomAD exomes 0.00001.
gnomAD v4.1: 14 of 1,612,366 alleles (0.00087%); highest among the groups gnomAD compares: East Asian, 0.0045%; no homozygotes.

Submission:

Labcorp Genetics (formerly Invitae), Labcorp
Classification: Uncertain significance for Atrial fibrillation, familial, 7. Last evaluated: 2025-02-26. Review status: criteria provided, single submitter. Criteria: Invitae Variant Classification Sherloc (09022015). Collection method: clinical testing. Allele origin: germline.
Comment: This sequence change replaces methionine, which is neutral and non-polar, with threonine, which is neutral and polar, at codon 304 of the KCNA5 protein (p.Met304Thr). This variant is present in population databases (rs745760298, gnomAD 0.0009%). This variant has not been reported in the literature in individuals affected with KCNA5-related conditions. ClinVar contains an entry for this variant (Variation ID: 469602). An algorithm developed to predict the effect of missense changes on protein structure and function outputs the following: PolyPhen-2: "Benign". The threonine amino acid residue is found in multiple mammalian species, which suggests that this missense change does not adversely affect protein function. In summary, the available evidence is currently insufficient to determine the role of this variant in disease. Therefore, it has been classified as a Variant of Uncertain Significance.